The following is an entry in ClinVar:

NM_001360.3(DHCR7):c.422del (p.Asn141fs)

Gene: DHCR7 (7-dehydrocholesterol reductase; minus strand). Cytogenetic location: 11q13.4.
Variant type: Deletion.
Coding change: c.422del on transcript NM_001360.3 (MANE Select); coding-DNA position 422, one base deleted (A; older notation c.422delA).
Protein change: p.Asn141fs; shifts the reading frame from asparagine 141.
Molecular consequence: frameshift variant.
Genome position (GRCh38, 1-based): chr11:71,441,431, T deleted on the plus strand (A on the coding strand, the reverse complement: DHCR7 is on the minus strand); the first of 2 consecutive T bases (chr11:71,441,431-71,441,432); deleting either gives the same sequence. VCF-style (leftmost placement, unchanged base first): chr11-71441430-GT-G. GRCh37 (hg19) VCF-style: chr11-71152476-GT-G.
Other names: c.422del, p.Asn141fs (NM_001163817.2); c.422delA (NM_001360.2); short protein forms N141fs.
Identifiers: ClinVar variation 1738885 (VCV001738885.2), dbSNP rs2539228948, ClinGen allele CA2580085015.

ClinVar aggregate classification (germline): Pathogenic (1 of 4 stars; one submission).

Conditions:
Inborn genetic diseases. Identifiers: MedGen C0950123, MeSH D030342.

Submission:

Ambry Genetics
Classification: Pathogenic for Inborn genetic diseases. Last evaluated: 2017-12-18. Review status: criteria provided, single submitter. Criteria: Ambry Variant Classification Scheme 2023. Collection method: clinical testing. Allele origin: germline.
Comment: The c.422delA pathogenic mutation, located in coding exon 4 of the DHCR7 gene, results from a deletion of one nucleotide at nucleotide position 422, causing a translational frameshift with a predicted alternate stop codon (p.N141Tfs*80). This alteration is expected to result in loss of function by premature protein truncation or nonsense-mediated mRNA decay. As such, this alteration is interpreted as a disease-causing mutation.